The following is an entry in ClinVar:

ClinVar aggregate classification (germline): Likely benign. Review status: criteria provided, multiple submitters, no conflicts (2 of 4 stars). 3 submissions from 3 submitters: Likely benign (2). 1 of the submissions does not count toward it. Last evaluated 2025-12-23.

Conditions:
VPS13A-related neurodegenerative disease. Also called: Choreoacanthocytosis; Chorea-acanthocytosis; VPS13A Disease; Choreaacanthocytosis; LEVINE-CRITCHLEY SYNDROME; ACANTHOCYTOSIS WITH NEUROLOGIC DISORDER. Identifiers: Orphanet 2388, MedGen C0393576, MONDO:0008695, OMIM 200150.

Allele frequency attached by ClinVar (database versions not stated): gnomAD exomes 0.00001 and 0.00006; gnomAD 0.00002; TOPMed 0.00002; ExAC 0.00004.

Submissions (3):

Labcorp Genetics (formerly Invitae), Labcorp
Classification: Likely benign. Last evaluated: 2025-12-23. Review status: criteria provided, single submitter. Criteria: Invitae Variant Classification Sherloc (09022015). Collection method: clinical testing. Allele origin: germline.

Mayo Clinic Laboratories, Mayo Clinic
Classification: Likely benign. Last evaluated: 2025-11-01. Review status: criteria provided, single submitter. Criteria: ACMG Guidelines, 2015. Collection method: clinical testing. Allele origin: germline. Observed: 1 variant allele.
Comment: BP4, BP7

Natera, Inc.
Classification: Uncertain significance for Choreaacanthocytosis. Last evaluated: 2020-02-13. Review status: no assertion criteria provided. Collection method: clinical testing. Allele origin: germline. Not counted in ClinVar's aggregate classification.

NM_033305.3(VPS13A):c.1824A>G (p.Pro608=)

Gene: VPS13A (vacuolar protein sorting 13 homolog A; plus strand). Cytogenetic location: 9q21.2.
Variant type: single nucleotide variant.
Coding change: c.1824A>G on transcript NM_033305.3 (MANE Select); coding-DNA position 1824, A replaced by G.
Protein change: p.Pro608=; no amino-acid change (proline 608 retained).
Molecular consequence: synonymous variant.
Genome position (GRCh38, 1-based): chr9:77,238,310, A>G. VCF-style: chr9-77238310-A-G. GRCh37 (hg19) VCF-style: chr9-79853226-A-G.
Other names: p.Pro608=; c.1824A>G, p.Pro608= (NM_001018037.2, NM_001018038.3, NM_015186.4).
Identifiers: ClinVar variation 697577 (VCV000697577.13), dbSNP rs750307161, ClinGen allele CA5091789.